The following is an entry in ClinVar:

ClinVar aggregate classification (germline): Pathogenic. Review status: reviewed by expert panel (3 of 4 stars). 32 submissions from 32 submitters: Pathogenic (1). 31 of the submissions do not count toward it. Last evaluated 2024-11-26.

Conditions:
ATM-related cancer predisposition. Also called: ATM-related cancer susceptibility. Identifiers: MedGen CN377759, MONDO:0700270.
ATM-related disorder. Also called: ATM-related disorders; ATM-related condition.
Malignant tumor of pancreas. Also called: Cancer of the pancreas; Pancreatic cancer; Malignant pancreatic neoplasm. Identifiers: MedGen C0346647, MONDO:0009831.
Breast and/or ovarian cancer. Identifiers: MedGen CN221562.
Ataxia-telangiectasia syndrome (AT). Also called: Ataxia-telangiectasia, complementation group E; AT, COMPLEMENTATION GROUP C; ATAXIA-TELANGIECTASIA, COMPLEMENTATION GROUP A; ATAXIA-TELANGIECTASIA, FRESNO VARIANT; LOUIS-BAR SYNDROME; Ataxia-telangiectasia. Identifiers: Orphanet 100, MedGen C0004135, MONDO:0008840, OMIM 208900.
Familial cancer of breast. Also called: Hereditary breast cancer; hereditary breast carcinoma; BREAST CANCER, FAMILIAL. Identifiers: Orphanet 227535, MedGen C0346153, MONDO:0016419, OMIM 114480. Disease mechanism: loss of function.
Hereditary cancer-predisposing syndrome. Also called: Tumor predisposition; Neoplastic Syndromes, Hereditary; Hereditary neoplastic syndrome; Hereditary Cancer Syndrome. Identifiers: Orphanet 140162, MedGen C0027672, MeSH D009386, MONDO:0015356.

Allele frequency attached by ClinVar (database versions not stated): TOPMed 0.00002; ExAC 0.00002; gnomAD 0.00001; gnomAD exomes 0.00002.
gnomAD v4.1: 4 of 1,613,208 alleles (0.00025%); highest among the groups gnomAD compares: South Asian, 0.0011%; no homozygotes.

Submissions 1 to 8 of 32:

ClinGen Hereditary Breast, Ovarian and Pancreatic Cancer Variant Curation Expert Panel, ClinGen
Classification: Pathogenic for ATM-related cancer predisposition. Last evaluated: 2024-11-26. Review status: reviewed by expert panel. Criteria: ClinGen HBOP ACMG Specifications ATM V1.3.0. Collection method: curation. Allele origin: germline. Inheritance: Autosomal dominant inheritance.
Comment: The c. 3576G>A (p.Lys1192=) variant is a synonymous (silent) variant in ATM. It is predicted to cause skipping of a biologically-relevant-exon, resulting in an in-frame deletion that is predicted to escape nonsense mediated decay. This prediction is confirmed by RNA analysis (PMID: 9887333, 21965147; Ambry internal data). This variant has been detected in at least 6 individuals with Ataxia-Telangiectasia (PMID: 21965147, 26896183, 30819809). The highest population minor allele frequency in gnomAD v2.1.1 is 0.000035 in the European (non-Finnish) population (PM2_Supporting, BS1, and BA1 are not met). In summary, this variant meets criteria to be classified as pathogenic for autosomal dominant ATM-related cancer predisposition and autosomal recessive Ataxia-Telangiectasia based on the ACMG/AMP criteria applied as specified by the HBOP Variant Curation Expert Panel. (PVS1_Strong (RNA), PM3_Very Strong)

Hema, HEMA – Genetic and Molecular Diagnostic Laboratory
Classification: Pathogenic for ATM-related cancer predisposition. Last evaluated: 2026-09-14. Review status: criteria provided, single submitter. Criteria: HEMA Variant Classification Assertion Criteria. Collection method: clinical testing. Allele origin: germline. Not counted in ClinVar's aggregate classification.
Comment: The variant c.3576G>A (p.Lys1192=) is a transition from guanine to adenine in the last base of exon 24 of the ATM gene. PVS1_Strong (RNA): The variant c.3576G>A affects splicing of ATM, resulting in exon 24/63 skipping without altering the reading frame (PMID: 9887333, 10330348, 21965147, 32748564). The resulting transcript (r.3403_3576del p.(Ser1135_Lys1192del)) encodes a protein with a deletion of 58 amino acids in the clinically relevant HEAT repeat region. PM3_VeryStrong: The variant has been reported in more than 20 individuals with ataxia telangiectasia, both in the homozygous state and in compound heterozygosity with other pathogenic variants in ATM (PMID: 9497252, 9792409, 9887333, 16941484, 21965147, 31741144, 34107524, 35257272).

CeGaT Center for Human Genetics Tuebingen
Classification: Pathogenic. Last evaluated: 2026-07-01. Review status: criteria provided, single submitter. Criteria: CeGaT Center For Human Genetics Tuebingen Variant Classification Criteria Version 2. Collection method: clinical testing. Allele origin: germline. Affected: yes. Observed: 8 variant alleles. Not counted in ClinVar's aggregate classification.
Comment: ATM: PM3:Very Strong, PM2, PVS1:Moderate

Dasa
Classification: Pathogenic for ATM-related cancer predisposition. Last evaluated: 2026-04-06. Review status: criteria provided, single submitter. Criteria: DASA Assertion Criteria. Collection method: clinical testing. Allele origin: germline. Not counted in ClinVar's aggregate classification.
Comment: NM_000051.4(ATM):c.3576G>A (p.Lys1192=) is a sequence variant. Functional evidence supports a deleterious effect on the gene or gene product (PMID: 9887333; PMID: 21965147; PMID: 26896183; PMID: 30819809). This variant has been recurrently observed in individuals with ATM-related cancer predisposition (PMID: 9887333; PMID: 21965147; PMID: 26896183; PMID: 30819809). The variant is present at low frequency in population datasets. Based on the available data, this variant is classified as pathogenic.

Labcorp Genetics (formerly Invitae), Labcorp
Classification: Pathogenic for Ataxia-telangiectasia syndrome. Last evaluated: 2026-01-17. Review status: criteria provided, single submitter. Criteria: Invitae Variant Classification Sherloc (09022015). Collection method: clinical testing. Allele origin: germline. Not counted in ClinVar's aggregate classification.
Comment: This sequence change affects codon 1192 of the ATM mRNA. It is a 'silent' change, meaning that it does not change the encoded amino acid sequence of the ATM protein. RNA analysis indicates that this variant induces altered splicing and likely results in a shortened protein product. This variant is present in population databases (rs587776551, gnomAD 0.004%). This variant has been observed in individuals with ataxia-telangiectasia and early-onset breast and thyroid cancer (PMID: 8845835, 9887333, 17124347, 19691550, 22071889, 27599564). This variant is also known as 3403del174. ClinVar contains an entry for this variant (Variation ID: 3035). Algorithms developed to predict the effect of variants on gene product structure and function are not available or were not evaluated for this variant. Experimental studies have shown that this variant affects ATM function (PMID: 22071889). Variants that disrupt the consensus splice site are a relatively common cause of aberrant splicing (PMID: 17576681, 9536098). Studies have shown that this variant results in skipping of exon 24, but is expected to preserve the integrity of the reading-frame (PMID: 9887333; internal data). For these reasons, this variant has been classified as Pathogenic.

Ambry Genetics
Classification: Pathogenic for Hereditary cancer-predisposing syndrome. Last evaluated: 2025-12-09. Review status: criteria provided, single submitter. Criteria: Ambry Variant Classification Scheme 2023. Collection method: clinical testing. Allele origin: germline. Not counted in ClinVar's aggregate classification.
Comment: The c.3576G>A pathogenic mutation (also known as p.K1192K) is located in coding exon 23 of the ATM gene. This pathogenic mutation results from a G to A substitution at nucleotide position 3576. This nucleotide substitution does not change the lysine at codon 1192. However, this change occurs in the last base pair of coding exon 23 which makes it likely to have some effect on normal mRNA splicing. This alteration has been reported frequently in individuals with a clinical diagnosis of ataxia telangiectasia, and has been observed in the homozygous state in individuals with severe disease (Chessa L et al. Ann. Hum. Genet. 2009 Sep;73(Pt 5):532-9; Cavalieri S et al. Ann. Hum. Genet. 2008 Jan;72(Pt 1):10-8; Sandoval N et al. Hum. Mol. Genet. 1999 Jan;8:69-79). This alteration has been demonstrated to cause abnormal splicing, resulting in skipping of exon 23 (referred to as exon 26 in the literature) (Demuth I et al. Neurogenetics. 2011 Nov;12:273-82; Sandoval N et al. Hum. Mol. Genet. 1999 Jan;8:69-79). RNA studies have demonstrated that this alteration results in abnormal splicing in the set of samples tested (Ambry internal data). Furthermore, several studies have shown that this alteration results in decreased/absent ATM protein expression and very low ATM kinase activity (Gilad S et al. Am. J. Hum. Genet. 1998 Mar;62:551-61; Demuth I et al. Neurogenetics. 2011 Nov;12:273-82; Sandoval N et al. Hum. Mol. Genet. 1999 Jan;8:69-79). This nucleotide position is highly conserved in available vertebrate species. Based on the supporting evidence, this variant is interpreted as a disease-causing mutation.

Department of Clinical Genetics, Copenhagen University Hospital, Rigshospitalet
Classification: Pathogenic for Familial cancer of breast; Ataxia-telangiectasia syndrome. Last evaluated: 2025-11-11. Review status: criteria provided, single submitter. Criteria: ACMG Guidelines, 2015. Collection method: clinical testing. Allele origin: germline. Not counted in ClinVar's aggregate classification.
Comment: The following ACMG criteria has been used: PVS1_Strong (RNA), PM3_Very_Strong

Natera, Inc.
Classification: Pathogenic for Ataxia-telangiectasia. Last evaluated: 2025-08-31. Review status: criteria provided, single submitter. Criteria: Natera Variant Classification Schema (03/2026). Collection method: clinical testing. Allele origin: germline. Not counted in ClinVar's aggregate classification.
Comment: The c.3576G>A variant in ATM is a synonymous variant that does not alter the encoded amino acid at position 1192 (p.K1192=). This variant is rare in the general population with a frequency below the threshold expected for the associated phenotype(s). This variant has been observed in one or more individuals affected with the associated recessive disease, as either homozygous or compound heterozygous with a second variant (PMID: 30819809). Given the available evidence, this variant is classified as Pathogenic.

NM_000051.4(ATM):c.3576G>A (p.Lys1192=)

Gene: ATM (ATM serine/threonine kinase; plus strand). Cytogenetic location: 11q22.3.
Variant type: single nucleotide variant.
Coding change: c.3576G>A on transcript NM_000051.4 (MANE Select); coding-DNA position 3576, G replaced by A.
Protein change: p.Lys1192=; no amino-acid change (lysine 1192 retained).
Molecular consequence: synonymous variant.
Genome position (GRCh38, 1-based): chr11:108,281,168, G>A. VCF-style: chr11-108281168-G-A. GRCh37 (hg19) VCF-style: chr11-108151895-G-A.
Other names: NM_000051.4(ATM):c.3576G>A; p.Lys1192=; 3576G-A; c.3576G>A, p.Lys1192= (NM_001351834.2); c.[3576G>A] (NM_000051.4).
Identifiers: ClinVar variation 3035 (VCV000003035.97), dbSNP rs587776551, ClinGen allele CA193897.